The following is an entry in ClinVar:

ClinVar aggregate classification (germline): Uncertain significance (1 of 4 stars; one submission).

Conditions:
Hereditary spastic paraplegia. Also called: Familial spastic paraparesis. Identifiers: Orphanet 685, MedGen C0037773, MONDO:0019064. Disease mechanism: loss of function.

Allele frequency attached by ClinVar (database versions not stated): gnomAD exomes below 0.00001.
gnomAD v4.1: 1 of 1,584,900 alleles (0.000063%); highest among the groups gnomAD compares: Non-Finnish European, 0.000086%; no homozygotes.

Submission:

Broad Center for Mendelian Genomics, Broad Institute of MIT and Harvard
Classification: Uncertain significance for Hereditary spastic paraplegia. Last evaluated: 2024-06-19. Review status: criteria provided, single submitter. Criteria: ACMG Guidelines, 2015. Collection method: curation. Allele origin: germline. Inheritance: Autosomal dominant inheritance. Study: GREGoR Consortium.
Comment: The heterozygous p.Arg1384Ter variant in ADGRB2 was identified by our study in 2 siblings with spastic paraparesis. While this gene is still lacking sufficient evidence to establish a gene-disease relationship, we believe this is a possible novel gene candidate for spastic paraparesis. Given the limited information about this gene-disease relationship, the significance of the p.Arg1384Ter variant is uncertain. If you have any additional information about functional evidence or other individuals with this phenotype that also have variants in ADGRB2 we encourage you to reach out to us.

NM_001364857.2(ADGRB2):c.4150C>T (p.Arg1384Ter)

Gene: ADGRB2 (adhesion G protein-coupled receptor B2; minus strand). Cytogenetic location: 1p35.2.
Variant type: single nucleotide variant.
Coding change: c.4150C>T on transcript NM_001364857.2 (MANE Select); coding-DNA position 4150, C replaced by T.
Protein change: p.Arg1384Ter; replaces arginine 1384 with a stop codon.
Molecular consequence: nonsense.
Genome position (GRCh38, 1-based): chr1:31,731,030, G>A on the plus strand (C>T on the coding strand, the complement: ADGRB2 is on the minus strand). VCF-style: chr1-31731030-G-A. GRCh37 (hg19) VCF-style: chr1-32196631-G-A.
Other names: NM_001364857.2:c.4150C>T; c.4150C>T, p.Arg1384Ter (NM_001294335.2); c.4051C>T, p.Arg1351Ter (NM_001294336.2); short protein forms R1351*, R1384*.
Identifiers: ClinVar variation 3252064 (VCV003252064.1), dbSNP rs2523570666.
Genomic context (GRCh38, chr1:31,731,030, plus strand): 5'-AGTGGTCCACGGACAGGAAGCTGGGGTAGCCTTCAGTGTGGGCCACTGTCTTGGCAGCTC[G>A]CCGGGGGGTCCCCTCCGGCCGGGCCCTGGGGGCATCCTCACCACCTCCACCCCCACCGCC-3'